The following is an entry in ClinVar:

NM_006236.3(POU3F3):c.101dup (p.Gly35fs)

Gene: POU3F3 (POU class 3 homeobox 3; plus strand). Cytogenetic location: 2q12.1.
Variant type: Duplication.
Coding change: c.101dup on transcript NM_006236.3 (MANE Select); coding-DNA position 101, one base duplicated (G; older notation c.101dupG).
Protein change: p.Gly35fs; shifts the reading frame from glycine 35.
Molecular consequence: frameshift variant.
Genome position (GRCh38, 1-based): chr2:104,855,611, G duplicated; the last of 5 consecutive G bases (chr2:104,855,607-104,855,611); duplicating any one gives the same sequence. VCF-style (leftmost placement, unchanged base first): chr2-104855606-C-CG. GRCh37 (hg19) VCF-style: chr2-105472064-C-CG.
Other names: c.101dup, p.Gly35fs (NM_001433704.1); short protein forms G35fs.
Identifiers: ClinVar variation 4886269 (VCV004886269.2).

ClinVar aggregate classification (germline): Uncertain significance (1 of 4 stars; one submission).

Submission:

Dasa
Classification: Uncertain significance. Last evaluated: 2025-05-22. Review status: criteria provided, single submitter. Criteria: DASA Assertion Criteria. Collection method: clinical testing. Allele origin: germline.
Comment: NM_006236.3(POU3F3):c.101dup (p.Gly35Trpfs*605) is a frameshift variant in POU3F3 predicted to alter the reading frame and introduce a premature termination codon. This variant is rare in population databases. The currently available literature and clinical evidence are not sufficient to establish a definitive association between this variant and the reported condition. Therefore, this variant is classified as a variant of uncertain significance.